The following is an entry in ClinVar:

ClinVar aggregate classification (germline): Conflicting classifications of pathogenicity. Review status: criteria provided, conflicting classifications (1 of 4 stars). 8 submissions from 8 submitters: Uncertain significance (1); Benign (2); Likely benign (3). 2 of the submissions do not count toward it. Last evaluated 2026-08-01.

Conditions:
Usher syndrome type 1G. Also called: USHER SYNDROME, TYPE IG, MILD. Identifiers: Orphanet 231169, Orphanet 886, MedGen C1847089, MONDO:0011748, OMIM 606943.

Allele frequency attached by ClinVar (database versions not stated): TOPMed 0.00162; ESP Exome Variant Server 0.00169; ExAC 0.00149; gnomAD 0.00173 and 0.00182; 1000 Genomes Project 0.00200; gnomAD exomes 0.00157; 1000 Genomes Project 30x 0.00172.

Submissions (8):

CeGaT Center for Human Genetics Tuebingen
Classification: Likely benign. Last evaluated: 2026-08-01. Review status: criteria provided, single submitter. Criteria: CeGaT Center For Human Genetics Tuebingen Variant Classification Criteria Version 2. Collection method: clinical testing. Allele origin: germline. Affected: yes. Observed: 11 variant alleles.
Comment: USH1G: BP4, BP7

Labcorp Genetics (formerly Invitae), Labcorp
Classification: Benign. Last evaluated: 2026-01-27. Review status: criteria provided, single submitter. Criteria: Invitae Variant Classification Sherloc (09022015). Collection method: clinical testing. Allele origin: germline.

Blueprint Genetics
Classification: Likely benign. Last evaluated: 2024-11-27. Review status: criteria provided, single submitter. Criteria: ACMG Guidelines, 2015. Collection method: clinical testing. Allele origin: germline.

GeneDx
Classification: Benign. Last evaluated: 2020-01-17. Review status: criteria provided, single submitter. Criteria: GeneDx Variant Classification Process June 2021. Collection method: clinical testing. Allele origin: germline. Affected: yes.

Illumina Laboratory Services, Illumina
Classification: Uncertain significance for Usher syndrome type 1G. Last evaluated: 2018-01-13. Review status: criteria provided, single submitter. Criteria: ICSL Variant Classification Criteria 13 December 2019. Collection method: clinical testing. Allele origin: germline.

Laboratory for Molecular Medicine, Mass General Brigham Personalized Medicine
Classification: Likely benign. Last evaluated: 2018-01-09. Review status: criteria provided, single submitter. Criteria: LMM Criteria. Collection method: clinical testing. Allele origin: germline. Observed: 14 variant alleles.
Comment: p.Arg167Arg in exon 2 of USH1G: This variant is not expected to have clinical si gnificance because it does not alter an amino acid residue, is not located withi n the splice consensus sequence, and has been identified in 0.2% (46/24364) of F innish chromosomes, 0.2% (68/30696) of South Asian chromosomes, and 0.2% (266/12 5092) of European chromosomes by the Genome Aggregation Database (gnomAD; dbSNP rs141688757).

Clinical Genetics DNA and cytogenetics Diagnostics Lab, Erasmus MC, Erasmus Medical Center
Classification: Likely benign. Review status: no assertion criteria provided. Collection method: clinical testing. Allele origin: germline. Affected: yes. Study: VKGL Data-share Consensus. Not counted in ClinVar's aggregate classification.

Clinical Genetics, Academic Medical Center
Classification: Benign. Review status: no assertion criteria provided. Collection method: clinical testing. Allele origin: germline. Affected: yes. Study: VKGL Data-share Consensus. Not counted in ClinVar's aggregate classification.

NM_173477.5(USH1G):c.501C>G (p.Arg167=)

Gene: USH1G (USH1 protein network component sans; minus strand). Cytogenetic location: 17q25.1.
Variant type: single nucleotide variant.
Coding change: c.501C>G on transcript NM_173477.5 (MANE Select); coding-DNA position 501, C replaced by G.
Protein change: p.Arg167=; no amino-acid change (arginine 167 retained).
Molecular consequence: synonymous variant.
Genome position (GRCh38, 1-based): chr17:74,920,335, G>C on the plus strand (C>G on the coding strand, the complement: USH1G is on the minus strand). VCF-style: chr17-74920335-G-C. GRCh37 (hg19) VCF-style: chr17-72916430-G-C.
Other names: c.192C>G, p.Arg64= (NM_001282489.3).
Identifiers: ClinVar variation 48132 (VCV000048132.55), dbSNP rs141688757, ClinGen allele CA142656.
Genomic context (GRCh38, chr17:74,920,335, plus strand): 5'-GCTCAGGGTGCTGGACGTGAGGCTGGAGAAGCTGAGGGTGTCGGAACGCTCGGCCAGCTC[G>C]CGCCGGTATCGCCGCTCCATGCGTTCGTGGTGCCTCCGCTGCAGCTTGGCGCACTCGCGG-3'
Protein context (NP_775748.2, residues 157-177): HHERMERRYR[Arg167=]ELAERSDTLS